The following is an entry in ClinVar:

ClinVar aggregate classification (germline): Uncertain significance (1 of 4 stars; one submission).

Submission:

GeneDx
Classification: Uncertain significance. Last evaluated: 2026-03-02. Review status: criteria provided, single submitter. Criteria: GeneDx Variant Classification Process June 2021. Collection method: clinical testing. Allele origin: germline.
Comment: Not observed at significant frequency in large population cohorts (gnomAD); In silico analysis supports that this missense variant has a deleterious effect on protein structure/function; In silico analysis is inconclusive as to whether the variant alters gene splicing. In the absence of RNA/functional studies, the actual effect of this sequence change is unknown.; Also known as p.(N235S); This variant is associated with the following publications: (PMID: 20431853, 18217193, 33477601, 18459951, 18184865)

NM_000132.4(F8):c.761A>G (p.Asn254Ser)

Gene: F8 (coagulation factor VIII; minus strand). Cytogenetic location: Xq28.
Variant type: single nucleotide variant.
Coding change: c.761A>G on transcript NM_000132.4 (MANE Select); coding-DNA position 761, A replaced by G.
Protein change: p.Asn254Ser; replaces asparagine 254 with serine.
Molecular consequence: missense variant.
Genome position (GRCh38, 1-based): chrX:154,984,713, T>C on the plus strand (A>G on the coding strand, the complement: F8 is on the minus strand). VCF-style: chrX-154984713-T-C. GRCh37 (hg19) VCF-style: chrX-154212988-T-C.
Other names: short protein forms N254S.
Identifiers: ClinVar variation 4888199 (VCV004888199.1).